The following is an entry in ClinVar:

ClinVar aggregate classification (germline): Uncertain significance (1 of 4 stars; one submission).

Conditions:
Charcot-Marie-Tooth disease, type I (CMT1). Also called: Charcot-Marie-Tooth, Type 1; Charcot-Marie-Tooth disease type 1. Identifiers: Orphanet 65753, MedGen C0751036, MONDO:0019011.

Submission:

Labcorp Genetics (formerly Invitae), Labcorp
Classification: Uncertain significance for Charcot-Marie-Tooth disease, type I. Last evaluated: 2025-12-23. Review status: criteria provided, single submitter. Criteria: Invitae Variant Classification Sherloc (09022015). Collection method: clinical testing. Allele origin: germline.
Comment: This sequence change affects the initiator codon of the PMP22 mRNA. This change may impact translation initiation or efficiency. The next in-frame methionine is located at codon 69. This variant is not present in population databases (gnomAD no frequency). This variant has not been reported in the literature in individuals affected with PMP22-related conditions. Experimental studies and prediction algorithms are not available or were not evaluated, and the functional significance of this variant is currently unknown. In summary, the available evidence is currently insufficient to determine the role of this variant in disease. Therefore, it has been classified as a Variant of Uncertain Significance.

NM_000304.4(PMP22):c.-34-126_52del

Gene: PMP22 (peripheral myelin protein 22; minus strand). Cytogenetic location: 17p12.
Variant type: Deletion.
Coding change: c.-34-126_52del on transcript NM_000304.4 (MANE Select); 126 bases into the intron before 34 bases upstream of the start codon through coding-DNA position 52, 212 bases deleted.
Molecular consequence: splice acceptor variant, initiator codon variant.
Genome position (GRCh38, 1-based): chr17:15,260,676-15,260,887, 212 bases deleted. GRCh37 (hg19): chr17:15,163,995-15,164,206.
Other names: c.-30-130_52del (NM_001281456.2); c.-34-126_52del (NM_153321.3, NM_001281455.2, NM_001330143.2).
Identifiers: ClinVar variation 4750163 (VCV004750163.1).